The following is an entry in ClinVar:

ClinVar aggregate classification (germline): Uncertain significance (1 of 4 stars; one submission).

gnomAD v4.1: 9 of 1,612,180 alleles (0.00056%); highest among the groups gnomAD compares: Admixed American, 0.01%; no homozygotes.

Submission:

Labcorp Genetics (formerly Invitae), Labcorp
Classification: Uncertain significance. Last evaluated: 2025-04-07. Review status: criteria provided, single submitter. Criteria: Invitae Variant Classification Sherloc (09022015). Collection method: clinical testing. Allele origin: germline.
Comment: This sequence change replaces isoleucine, which is neutral and non-polar, with phenylalanine, which is neutral and non-polar, at codon 2017 of the ZDBF2 protein (p.Ile2017Phe). This variant is present in population databases (rs766377477, gnomAD 0.006%). This variant has not been reported in the literature in individuals affected with ZDBF2-related conditions. An algorithm developed to predict the effect of missense changes on protein structure and function (PolyPhen-2) suggests that this variant is likely to be tolerated. In summary, the available evidence is currently insufficient to determine the role of this variant in disease. Therefore, it has been classified as a Variant of Uncertain Significance.

NM_020923.3(ZDBF2):c.6049A>T (p.Ile2017Phe)

Gene: ZDBF2 (zinc finger DBF-type containing 2; plus strand). Cytogenetic location: 2q33.3.
Variant type: single nucleotide variant.
Coding change: c.6049A>T on transcript NM_020923.3 (MANE Select); coding-DNA position 6049, A replaced by T.
Protein change: p.Ile2017Phe; replaces isoleucine 2017 with phenylalanine.
Molecular consequence: missense variant.
Genome position (GRCh38, 1-based): chr2:206,310,577, A>T. VCF-style: chr2-206310577-A-T. GRCh37 (hg19) VCF-style: chr2-207175301-A-T.
Other names: c.6043A>T, p.Ile2015Phe (NM_001285549.2); c.6049A>T, p.Ile2017Phe (NM_001369654.1); short protein forms I2017F, I2015F.
Identifiers: ClinVar variation 4747837 (VCV004747837.1).